The following is an entry in ClinVar:

NM_000535.7(PMS2):c.721C>G (p.Pro241Ala)

Gene: PMS2 (PMS1 homolog 2, mismatch repair system component; minus strand). Cytogenetic location: 7p22.1.
Variant type: single nucleotide variant.
Coding change: c.721C>G on transcript NM_000535.7 (MANE Select); coding-DNA position 721, C replaced by G.
Protein change: p.Pro241Ala; replaces proline 241 with alanine.
Molecular consequence: missense variant. On other transcripts: 5 prime UTR variant (2), non-coding transcript variant (1).
Genome position (GRCh38, 1-based): chr7:5,997,408, G>C on the plus strand (C>G on the coding strand, the complement: PMS2 is on the minus strand). VCF-style: chr7-5997408-G-C. GRCh37 (hg19) VCF-style: chr7-6037039-G-C.
Other names: c.316C>G, p.Pro106Ala (NM_001322003.2, NM_001322004.2, NM_001322005.2 and 2 more transcripts); c.721C>G, p.Pro241Ala (NM_001322006.2, NM_001322014.2); c.403C>G, p.Pro135Ala (NM_001322007.2, NM_001322008.2); c.-213C>G (NM_001322011.2, NM_001322012.2); c.148C>G, p.Pro50Ala (NM_001322013.2); c.412C>G, p.Pro138Ala (NM_001322015.2); short protein forms P241A, P106A, P138A, P50A, P135A.
Identifiers: ClinVar variation 480307 (VCV000480307.14), dbSNP rs779411667, ClinGen allele CA153239774.

ClinVar aggregate classification (germline): Uncertain significance. Review status: criteria provided, multiple submitters, no conflicts (2 of 4 stars). 4 submissions from 4 submitters: Uncertain significance (4). Last evaluated 2025-09-15.

Conditions:
Hereditary nonpolyposis colorectal neoplasms. Identifiers: MedGen C0009405, MeSH D003123.
Hereditary cancer-predisposing syndrome. Also called: Hereditary Cancer Syndrome; Neoplastic Syndromes, Hereditary; Tumor predisposition; Hereditary neoplastic syndrome. Identifiers: Orphanet 140162, MedGen C0027672, MeSH D009386, MONDO:0015356.
Lynch syndrome. Identifiers: Orphanet 144, MedGen C4552100, MONDO:0005835. Disease mechanism: loss of function.

Allele frequency attached by ClinVar (database versions not stated): gnomAD exomes 0.00001.
gnomAD v4.1: 10 of 1,567,040 alleles (0.00064%); highest among the groups gnomAD compares: Non-Finnish European, 0.00087%; no homozygotes.

Submissions (4):

Labcorp Genetics (formerly Invitae), Labcorp
Classification: Uncertain significance for Hereditary nonpolyposis colorectal neoplasms. Last evaluated: 2025-09-15. Review status: criteria provided, single submitter. Criteria: Invitae Variant Classification Sherloc (09022015). Collection method: clinical testing. Allele origin: germline.
Comment: This sequence change replaces proline, which is neutral and non-polar, with alanine, which is neutral and non-polar, at codon 241 of the PMS2 protein (p.Pro241Ala). This variant is not present in population databases (gnomAD no frequency). This variant has not been reported in the literature in individuals affected with PMS2-related conditions. ClinVar contains an entry for this variant (Variation ID: 480307). Invitae Evidence Modeling incorporating data from in vitro experimental studies (internal data) indicates that this missense variant is not expected to disrupt PMS2 function with a negative predictive value of 95%. In summary, the available evidence is currently insufficient to determine the role of this variant in disease. Therefore, it has been classified as a Variant of Uncertain Significance.

GeneDx
Classification: Uncertain significance. Last evaluated: 2024-06-27. Review status: criteria provided, single submitter. Criteria: GeneDx Variant Classification Process June 2021. Collection method: clinical testing. Allele origin: germline. Affected: yes.
Comment: In silico analysis supports that this missense variant has a deleterious effect on protein structure/function; Has not been previously published as pathogenic or benign to our knowledge; This variant is associated with the following publications: (PMID: 36243179, 11574484)

Ambry Genetics
Classification: Uncertain significance for Hereditary cancer-predisposing syndrome. Last evaluated: 2024-02-06. Review status: criteria provided, single submitter. Criteria: Ambry Variant Classification Scheme 2023. Collection method: clinical testing. Allele origin: germline.
Comment: The p.P241A variant (also known as c.721C>G), located in coding exon 7 of the PMS2 gene, results from a C to G substitution at nucleotide position 721. The proline at codon 241 is replaced by alanine, an amino acid with highly similar properties. This variant was not detected in 1,292 biliary tract cancer cases but was seen with with a carrier frequency of 0.001 in 37,583 controls without a personal nor family history of cancer (Okawa Y et al. J Hepatol, 2023 Feb;78:333-342). This amino acid position is well conserved in available vertebrate species. In addition, the in silico prediction for this alteration is inconclusive. Based on the available evidence, the clinical significance of this alteration remains unclear.

All of Us Research Program, National Institutes of Health
Classification: Uncertain significance for Lynch syndrome. Last evaluated: 2023-05-04. Review status: criteria provided, single submitter. Criteria: ACMG Guidelines, 2015. Collection method: clinical testing. Allele origin: germline. Inheritance: Autosomal dominant inheritance. Observed: 1 variant allele, 1 heterozygote.
Comment: This missense variant replaces proline with alanine at codon 241 of the PMS2 protein. Computational prediction is inconclusive regarding the impact of this variant on protein structure and function (internally defined REVEL score threshold 0.5 < inconclusive < 0.7, PMID: 27666373). To our knowledge, functional studies have not been reported for this variant. This variant has not been reported in individuals affected with PMS2-related disorders in the literature. This variant has not been identified in the general population by the Genome Aggregation Database (gnomAD). The available evidence is insufficient to determine the role of this variant in disease conclusively. Therefore, this variant is classified as a Variant of Uncertain Significance.

This study involves interpretation of variants in research participants for the purpose of population health screening. Participant phenotype was not available at the time of variant classification. Additional details can be found in publication PMID: 35346344, PMCID: PMC8962531

Literature cited by the submitters: PubMed 36243179 (cited by Ambry Genetics).